The following is an entry in ClinVar:

NM_000277.3(PAH):c.1249T>C (p.Tyr417His)

Gene: PAH (phenylalanine hydroxylase; minus strand). Cytogenetic location: 12q23.2.
Variant type: single nucleotide variant.
Coding change: c.1249T>C on transcript NM_000277.3 (MANE Select); coding-DNA position 1249, T replaced by C.
Protein change: p.Tyr417His; replaces tyrosine 417 with histidine.
Molecular consequence: missense variant.
Genome position (GRCh38, 1-based): chr12:102,840,466, A>G on the plus strand (T>C on the coding strand, the complement: PAH is on the minus strand). VCF-style: chr12-102840466-A-G. GRCh37 (hg19) VCF-style: chr12-103234244-A-G.
Other names: c.1249T>C, p.Tyr417His (NM_001354304.2); short protein forms Y417H.
Identifiers: ClinVar variation 102579 (VCV000102579.2), dbSNP rs62644471, ClinGen allele CA229417.

ClinVar aggregate classification (germline): Pathogenic. Review status: criteria provided, single submitter (1 of 4 stars). 2 submissions from 2 submitters: Pathogenic (1). 1 of the submissions does not count toward it. Last evaluated 2017-07-21.

Submissions (2):

GeneDx
Classification: Pathogenic. Last evaluated: 2017-07-21. Review status: criteria provided, single submitter. Criteria: GeneDx Variant Classification (06012015). Collection method: clinical testing. Allele origin: germline. Affected: yes.
Comment: The Y417H variant has previously been reported in association with mild PKU (Muntau et al., 2002). The Y417H variant is located in the dimerization motif of the oligomerizationdomain of the PAH enzyme and is associated with disturbed oligomerization and impaired tetramer assembly (Gersting et al., 2008). Functional analysis also found that Y417H is associated with significant residual enzyme activity and is classified as a BH4-responsive variant (Gersting et al., 2008; Staudigl et al., 2011).

DeBelle Laboratory for Biochemical Genetics, MUHC/MCH RESEARCH INSTITUTE
No classification provided. Review status: no classification provided. Collection method: not provided. Allele origin: not provided. Not counted in ClinVar's aggregate classification.